The following is an entry in ClinVar:

ClinVar aggregate classification (germline): Uncertain significance (1 of 4 stars; one submission).

Allele frequency attached by ClinVar (database versions not stated): gnomAD exomes below 0.00001.
gnomAD v4.1: 2 of 1,614,186 alleles (0.00012%); highest among the groups gnomAD compares: Admixed American, 0.0017%; no homozygotes.

Submission:

Labcorp Genetics (formerly Invitae), Labcorp
Classification: Uncertain significance. Last evaluated: 2025-06-16. Review status: criteria provided, single submitter. Criteria: Invitae Variant Classification Sherloc (09022015). Collection method: clinical testing. Allele origin: germline.
Comment: This sequence change replaces glutamic acid, which is acidic and polar, with alanine, which is neutral and non-polar, at codon 158 of the TUBB1 protein (p.Glu158Ala). This variant is not present in population databases (gnomAD no frequency). This variant has not been reported in the literature in individuals affected with TUBB1-related conditions. ClinVar contains an entry for this variant (Variation ID: 2029634). Invitae Evidence Modeling of protein sequence and biophysical properties (such as structural, functional, and spatial information, amino acid conservation, physicochemical variation, residue mobility, and thermodynamic stability) indicates that this missense variant is expected to disrupt TUBB1 protein function with a positive predictive value of 80%. In summary, the available evidence is currently insufficient to determine the role of this variant in disease. Therefore, it has been classified as a Variant of Uncertain Significance.

NM_030773.4(TUBB1):c.473A>C (p.Glu158Ala)

Gene: TUBB1 (tubulin beta 1 class VI; plus strand). Cytogenetic location: 20q13.32.
Variant type: single nucleotide variant.
Coding change: c.473A>C on transcript NM_030773.4 (MANE Select); coding-DNA position 473, A replaced by C.
Protein change: p.Glu158Ala; replaces glutamic acid 158 with alanine.
Molecular consequence: missense variant.
Genome position (GRCh38, 1-based): chr20:59,023,900, A>C. VCF-style: chr20-59023900-A-C. GRCh37 (hg19) VCF-style: chr20-57598955-A-C.
Other names: short protein forms E158A.
Identifiers: ClinVar variation 2029634 (VCV002029634.4), dbSNP rs2515916905, ClinGen allele CA409467002.
Genomic context (GRCh38, chr20:59,023,900, plus strand): 5'-CCCTGGGCGGGGGCACAGGCTCCGGGATGGGCACTCTGCTCATGAACAAGATTAGAGAGG[A>C]GTACCCGGACCGGATCATGAATTCCTTCAGCGTCATGCCTTCTCCCAAGGTGTCGGACAC-3'
Protein context (NP_110400.1, residues 148-168): GTLLMNKIRE[Glu158Ala]YPDRIMNSFS